The following is an entry in ClinVar:

ClinVar aggregate classification (germline): Uncertain significance. Review status: criteria provided, multiple submitters, no conflicts (2 of 4 stars). 3 submissions from 3 submitters: Uncertain significance (3). Last evaluated 2025-07-09.

Conditions:
Progressive familial heart block type IB (PFHB1B). Identifiers: Orphanet 871, MedGen C1970298, MONDO:0011474, OMIM 604559.
Cardiovascular phenotype. Identifiers: MedGen CN230736.

Allele frequency attached by ClinVar (database versions not stated): gnomAD exomes below 0.00001 and 0.00001; gnomAD 0.00002.
gnomAD v4.1: 17 of 1,613,992 alleles (0.0011%); highest among the groups gnomAD compares: Non-Finnish European, 0.0014%; no homozygotes.

Submissions (3):

Ambry Genetics
Classification: Uncertain significance for Cardiovascular phenotype. Last evaluated: 2025-07-09. Review status: criteria provided, single submitter. Criteria: Ambry Variant Classification Scheme 2023. Collection method: clinical testing. Allele origin: germline.
Comment: The p.R645H variant (also known as c.1934G>A), located in coding exon 14 of the TRPM4 gene, results from a G to A substitution at nucleotide position 1934. The arginine at codon 645 is replaced by histidine, an amino acid with highly similar properties. This amino acid position is conserved. In addition, this alteration is predicted to be tolerated by in silico analysis. Since supporting evidence is limited at this time, the clinical significance of this alteration remains unclear.

Labcorp Genetics (formerly Invitae), Labcorp
Classification: Uncertain significance for Progressive familial heart block type IB. Last evaluated: 2025-06-07. Review status: criteria provided, single submitter. Criteria: Invitae Variant Classification Sherloc (09022015). Collection method: clinical testing. Allele origin: germline.
Comment: This sequence change replaces arginine, which is basic and polar, with histidine, which is basic and polar, at codon 645 of the TRPM4 protein (p.Arg645His). The frequency data for this variant in the population databases is considered unreliable, as metrics indicate poor data quality at this position in the gnomAD database. This variant has not been reported in the literature in individuals affected with TRPM4-related conditions. ClinVar contains an entry for this variant (Variation ID: 1057484). An algorithm developed to predict the effect of missense changes on protein structure and function (PolyPhen-2) suggests that this variant is likely to be tolerated. In summary, the available evidence is currently insufficient to determine the role of this variant in disease. Therefore, it has been classified as a Variant of Uncertain Significance.

GeneDx
Classification: Uncertain significance. Last evaluated: 2022-02-21. Review status: criteria provided, single submitter. Criteria: GeneDx Variant Classification Process June 2021. Collection method: clinical testing. Allele origin: germline. Affected: yes.
Comment: Has not been previously published as pathogenic or benign to our knowledge; Not observed at significant frequency in large population cohorts (gnomAD); In silico analysis supports that this missense variant has a deleterious effect on protein structure/function

NM_017636.4(TRPM4):c.1934G>A (p.Arg645His)

Gene: TRPM4 (transient receptor potential cation channel subfamily M member 4; plus strand). Cytogenetic location: 19q13.33.
Variant type: single nucleotide variant.
Coding change: c.1934G>A on transcript NM_017636.4 (MANE Select); coding-DNA position 1934, G replaced by A.
Protein change: p.Arg645His; replaces arginine 645 with histidine.
Molecular consequence: missense variant.
Genome position (GRCh38, 1-based): chr19:49,189,006, G>A. VCF-style: chr19-49189006-G-A. GRCh37 (hg19) VCF-style: chr19-49692263-G-A.
Other names: c.1934G>A, p.Arg645His (NM_001195227.2); c.1589G>A, p.Arg530His (NM_001321281.2); c.326G>A, p.Arg109His (NM_001321282.2); c.1412G>A, p.Arg471His (NM_001321283.2); c.872G>A, p.Arg291His (NM_001321285.2); short protein forms R109H, R291H, R471H, R530H, R645H.
Identifiers: ClinVar variation 1057484 (VCV001057484.12), dbSNP rs1357319774, ClinGen allele CA406803836.
Genomic context (GRCh38, chr19:49,189,006, plus strand): 5'-ACCTCTTTGGCGAGTGCTATCGCAGCAGTGAGGTGAGGGCTGCCCGCCTCCTCCTCCGTC[G>A]CTGCCCGCTCTGGGGGGATGCCACTTGCCTCCAGCTGGCCATGCAAGCTGACGCCCGTGC-3'
Protein context (NP_060106.2, residues 635-655): EVRAARLLLR[Arg645His]CPLWGDATCL